The following is an entry in ClinVar:

NM_000277.3(PAH):c.757G>T (p.Asp253Tyr)

Gene: PAH (phenylalanine hydroxylase; minus strand). Cytogenetic location: 12q23.2.
Variant type: single nucleotide variant.
Coding change: c.757G>T on transcript NM_000277.3 (MANE Select); coding-DNA position 757, G replaced by T.
Protein change: p.Asp253Tyr; replaces aspartic acid 253 with tyrosine.
Molecular consequence: missense variant.
Genome position (GRCh38, 1-based): chr12:102,852,900, C>A on the plus strand (G>T on the coding strand, the complement: PAH is on the minus strand). VCF-style: chr12-102852900-C-A. GRCh37 (hg19) VCF-style: chr12-103246678-C-A.
Other names: c.757G>T, p.Asp253Tyr (NM_001354304.2); short protein forms D253Y.
Identifiers: ClinVar variation 4822157 (VCV004822157.4).

ClinVar aggregate classification (germline): Likely pathogenic (1 of 4 stars; one submission).

gnomAD v4.1: 1 of 1,614,032 alleles (0.000062%); highest among the groups gnomAD compares: Non-Finnish European, 0.000085%; no homozygotes.

Submission:

CeGaT Center for Human Genetics Tuebingen
Classification: Likely pathogenic. Last evaluated: 2026-01-01. Review status: criteria provided, single submitter. Criteria: CeGaT Center For Human Genetics Tuebingen Variant Classification Criteria Version 2. Collection method: clinical testing. Allele origin: germline. Affected: yes. Observed: 1 variant allele.
Comment: PAH: PM1, PM2, PP4:Moderate, PM3:Supporting, PP3